The following is an entry in ClinVar:

ClinVar aggregate classification (germline): Likely pathogenic (1 of 4 stars; one submission).

Conditions:
Hypertrophic cardiomyopathy. Also called: HYPERTROPHIC MYOCARDIOPATHY. Identifiers: Orphanet 217569, MedGen C0007194, MeSH D002312, MONDO:0005045, HP:0001639.

Submission:

Labcorp Genetics (formerly Invitae), Labcorp
Classification: Likely pathogenic for Hypertrophic cardiomyopathy. Last evaluated: 2023-10-30. Review status: criteria provided, single submitter. Criteria: Invitae Variant Classification Sherloc (09022015). Collection method: clinical testing. Allele origin: germline.
Comment: This sequence change replaces glutamic acid, which is acidic and polar, with glutamine, which is neutral and polar, at codon 181 of the TPM1 protein (p.Glu181Gln). This variant is not present in population databases (gnomAD no frequency). This missense change has been observed in individual(s) with clinical features of hypertrophic cardiomyopathy (Invitae). In at least one individual the variant was observed to be de novo. ClinVar contains an entry for this variant (Variation ID: 1721605). An algorithm developed to predict the effect of missense changes on protein structure and function (PolyPhen-2) suggests that this variant is likely to be disruptive. In summary, the currently available evidence indicates that the variant is pathogenic, but additional data are needed to prove that conclusively. Therefore, this variant has been classified as Likely Pathogenic.

NM_001018005.2(TPM1):c.541G>C (p.Glu181Gln)

Gene: TPM1 (tropomyosin 1; plus strand). Cytogenetic location: 15q22.2.
Variant type: single nucleotide variant.
Coding change: c.541G>C on transcript NM_001018005.2 (MANE Select); coding-DNA position 541, G replaced by C.
Protein change: p.Glu181Gln; replaces glutamic acid 181 with glutamine.
Molecular consequence: missense variant.
Genome position (GRCh38, 1-based): chr15:63,060,917, G>C. VCF-style: chr15-63060917-G-C. GRCh37 (hg19) VCF-style: chr15-63353116-G-C.
Other names: c.541G>C, p.Glu181Gln (NM_000366.6, NM_001018004.2, NM_001018006.2 and 20 more transcripts); c.433G>C, p.Glu145Gln (NM_001018008.2, NM_001301289.2, NM_001330344.2 and 9 more transcripts); c.667G>C, p.Glu223Gln (NM_001365778.1, NM_001407322.1, NM_001407323.1 and 1 more transcripts); short protein forms E145Q, E181Q, E223Q.
Identifiers: ClinVar variation 1721605 (VCV001721605.5), dbSNP rs2542806797, ClinGen allele CA392723242.